The following is an entry in ClinVar:

ClinVar aggregate classification (germline): Uncertain significance. Review status: criteria provided, multiple submitters, no conflicts (2 of 4 stars). 2 submissions from 2 submitters: Uncertain significance (2). Last evaluated 2025-08-22.

Conditions:
Hereditary cancer-predisposing syndrome. Also called: Tumor predisposition; Neoplastic Syndromes, Hereditary; Hereditary Cancer Syndrome; Hereditary neoplastic syndrome. Identifiers: Orphanet 140162, MedGen C0027672, MeSH D009386, MONDO:0015356.
Gastrointestinal stromal tumor. Also called: Gastrointestinal stromal tumor, somatic; Gastrointestinal stroma tumor. Identifiers: Orphanet 44890, MedGen C0238198, MeSH D046152, MONDO:0011719, OMIM 606764, HP:0100723.

Allele frequency attached by ClinVar (database versions not stated): TOPMed below 0.00001; ExAC 0.00001; gnomAD 0.00001; gnomAD exomes 0.00001; ESP Exome Variant Server 0.00008.
gnomAD v4.1: 4 of 1,613,574 alleles (0.00025%); highest among the groups gnomAD compares: Non-Finnish European, 0.00034%; no homozygotes.

Submissions (2):

Ambry Genetics
Classification: Uncertain significance for Hereditary cancer-predisposing syndrome. Last evaluated: 2025-08-22. Review status: criteria provided, single submitter. Criteria: Ambry Variant Classification Scheme 2023. Collection method: clinical testing. Allele origin: germline.
Comment: The p.S755F variant (also known as c.2264C>T), located in coding exon 15 of the PDGFRA gene, results from a C to T substitution at nucleotide position 2264. The serine at codon 755 is replaced by phenylalanine, an amino acid with highly dissimilar properties. This amino acid position is conserved. In addition, this alteration is predicted to be deleterious by in silico analysis. Since supporting evidence is limited at this time, the clinical significance of this alteration remains unclear.

Labcorp Genetics (formerly Invitae), Labcorp
Classification: Uncertain significance for Gastrointestinal stromal tumor. Last evaluated: 2024-01-15. Review status: criteria provided, single submitter. Criteria: Invitae Variant Classification Sherloc (09022015). Collection method: clinical testing. Allele origin: germline.
Comment: This sequence change replaces serine, which is neutral and polar, with phenylalanine, which is neutral and non-polar, at codon 755 of the PDGFRA protein (p.Ser755Phe). This variant is not present in population databases (gnomAD no frequency). This variant has not been reported in the literature in individuals affected with PDGFRA-related conditions. ClinVar contains an entry for this variant (Variation ID: 1520142). Advanced modeling of protein sequence and biophysical properties (such as structural, functional, and spatial information, amino acid conservation, physicochemical variation, residue mobility, and thermodynamic stability) performed at Invitae indicates that this missense variant is not expected to disrupt PDGFRA protein function with a negative predictive value of 80%. In summary, the available evidence is currently insufficient to determine the role of this variant in disease. Therefore, it has been classified as a Variant of Uncertain Significance.

NM_006206.6(PDGFRA):c.2264C>T (p.Ser755Phe)

Gene: PDGFRA (platelet derived growth factor receptor alpha; plus strand). Cytogenetic location: 4q12.
Variant type: single nucleotide variant.
Coding change: c.2264C>T on transcript NM_006206.6 (MANE Select); coding-DNA position 2264, C replaced by T.
Protein change: p.Ser755Phe; replaces serine 755 with phenylalanine.
Molecular consequence: missense variant.
Genome position (GRCh38, 1-based): chr4:54,280,423, C>T. VCF-style: chr4-54280423-C-T. GRCh37 (hg19) VCF-style: chr4-55146590-C-T.
Other names: c.2264C>T, p.Ser755Phe (NM_001347827.2, NM_001347829.2); c.2339C>T, p.Ser780Phe (NM_001347828.2); c.2303C>T, p.Ser768Phe (NM_001347830.2); c.2264C>T (NM_006206.4); short protein forms S755F, S768F, S780F.
Identifiers: ClinVar variation 1520142 (VCV001520142.9), dbSNP rs139465754, ClinGen allele CA2922797.